The following is an entry in ClinVar:

NM_000701.8(ATP1A1):c.2778C>T (p.Ile926=)

Genes: ATP1A1 (ATPase Na+/K+ transporting subunit alpha 1; plus strand), ATP1A1-AS1 (ATP1A1 antisense RNA 1; minus strand). Cytogenetic location: 1p13.1.
Variant type: single nucleotide variant.
Coding change: c.2778C>T on transcript NM_000701.8 (MANE Select); coding-DNA position 2778, C replaced by T.
Protein change: p.Ile926=; no amino-acid change (isoleucine 926 retained).
Molecular consequence: synonymous variant.
Genome position (GRCh38, 1-based): chr1:116,401,189, C>T. VCF-style: chr1-116401189-C-T. GRCh37 (hg19) VCF-style: chr1-116943811-C-T.
Other names: c.2778C>T, p.Ile926= (NM_001160233.2); c.2685C>T, p.Ile895= (NM_001160234.2).
Identifiers: ClinVar variation 1629786 (VCV001629786.15), dbSNP rs769574702, ClinGen allele CA1025637.

ClinVar aggregate classification (germline): Likely benign. Review status: criteria provided, multiple submitters, no conflicts (2 of 4 stars). 2 submissions from 2 submitters: Likely benign (2). Last evaluated 2025-12-01.

Allele frequency attached by ClinVar (database versions not stated): ExAC 0.00001; gnomAD exomes 0.00001 and 0.00002; TOPMed 0.00002.
gnomAD v4.1: 30 of 1,614,216 alleles (0.0019%); highest among the groups gnomAD compares: Middle Eastern, 0.016%; no homozygotes.

Submissions (2):

CeGaT Center for Human Genetics Tuebingen
Classification: Likely benign. Last evaluated: 2025-12-01. Review status: criteria provided, single submitter. Criteria: CeGaT Center For Human Genetics Tuebingen Variant Classification Criteria Version 2. Collection method: clinical testing. Allele origin: germline. Affected: yes. Observed: 1 variant allele.
Comment: ATP1A1: BP4, BP7

Labcorp Genetics (formerly Invitae), Labcorp
Classification: Likely benign. Last evaluated: 2025-07-31. Review status: criteria provided, single submitter. Criteria: Invitae Variant Classification Sherloc (09022015). Collection method: clinical testing. Allele origin: germline.